The following is an entry in ClinVar:

NM_005640.3(TAF4B):c.972+5A>G

Gene: TAF4B (TATA-box binding protein associated factor 4b; plus strand). Cytogenetic location: 18q11.2.
Variant type: single nucleotide variant.
Coding change: c.972+5A>G on transcript NM_005640.3 (MANE Select); 5 bases into the intron after coding-DNA position 972, A replaced by G.
Molecular consequence: intron variant.
Genome position (GRCh38, 1-based): chr18:26,282,065, A>G. VCF-style: chr18-26282065-A-G. GRCh37 (hg19) VCF-style: chr18-23862029-A-G.
Other names: c.972+5A>G (NM_001293725.2).
Identifiers: ClinVar variation 717521 (VCV000717521.6), dbSNP rs114675427, ClinGen allele CA8921719.

ClinVar aggregate classification (germline): Benign. Review status: criteria provided, multiple submitters, no conflicts (2 of 4 stars). 3 submissions from 3 submitters: Benign (2). 1 of the submissions does not count toward it. Last evaluated 2019-12-31.

Conditions:
TAF4B-related disorder. Also called: TAF4B-related condition.

Allele frequency attached by ClinVar (database versions not stated): gnomAD exomes 0.00067 and 0.00150; ExAC 0.00157; ESP Exome Variant Server 0.00431; gnomAD 0.00543 and 0.00584; 1000 Genomes Project 0.00559; 1000 Genomes Project 30x 0.00640; TOPMed 0.00649.

Submissions (3):

Labcorp Genetics (formerly Invitae), Labcorp
Classification: Benign. Last evaluated: 2019-12-31. Review status: criteria provided, single submitter. Criteria: Invitae Variant Classification Sherloc (09022015). Collection method: clinical testing. Allele origin: germline.

Breakthrough Genomics
Classification: Benign. Review status: criteria provided, single submitter. Criteria: ACMG Guidelines, 2015. Collection method: not provided. Allele origin: germline. Inheritance: Autosomal recessive inheritance. Affected: yes.

PreventionGenetics, part of Exact Sciences
Classification: Likely benign for TAF4B-related condition. Last evaluated: 2024-05-15. Review status: no assertion criteria provided. Collection method: clinical testing. Allele origin: germline. Not counted in ClinVar's aggregate classification.
Comment: This variant is classified as likely benign based on ACMG/AMP sequence variant interpretation guidelines (Richards et al. 2015 PMID: 25741868, with internal and published modifications).